The following is an entry in ClinVar:

NM_001015877.2(PHF6):c.207T>C (p.Asp69=)

Gene: PHF6 (PHD finger protein 6; plus strand). Cytogenetic location: Xq26.2.
Variant type: single nucleotide variant.
Coding change: c.207T>C on transcript NM_001015877.2 (MANE Select); coding-DNA position 207, T replaced by C.
Protein change: p.Asp69=; no amino-acid change (aspartic acid 69 retained).
Molecular consequence: synonymous variant.
Genome position (GRCh38, 1-based): chrX:134,378,073, T>C. VCF-style: chrX-134378073-T-C. GRCh37 (hg19) VCF-style: chrX-133512103-T-C.
Other names: c.207T>C, p.Asp69= (NM_032335.3, NM_032458.3).
Identifiers: ClinVar variation 3777614 (VCV003777614.1).
Genomic context (GRCh38, chrX:134,378,073, plus strand): 5'-ATCTGCTTTGGTATCATCACACTCTGATAATGAAAGTCTTGGTGGATTTTCTATTGAAGA[T>C]GTCCAAAAGGAAATTAAAAGAGGCACGAAGCTGGTAAGTTGGTATTTCTGCCTCTTGAGA-3'
Protein context (NP_001015877.1, residues 59-79): NESLGGFSIE[Asp69=]VQKEIKRGTK

ClinVar aggregate classification (germline): Uncertain significance (1 of 4 stars; one submission).

gnomAD v4.1: 1 of 1,202,795 alleles (0.000083%); no homozygotes.

Submission:

GeneDx
Classification: Uncertain significance. Last evaluated: 2024-10-11. Review status: criteria provided, single submitter. Criteria: GeneDx Variant Classification Process June 2021. Collection method: clinical testing. Allele origin: germline. Affected: yes.
Comment: Not observed at significant frequency in large population cohorts (gnomAD); In silico analysis indicates that this variant does not alter splicing; Has not been previously published as pathogenic or benign to our knowledge